The following is an entry in ClinVar:

ClinVar aggregate classification (germline): Uncertain significance. Review status: criteria provided, multiple submitters, no conflicts (2 of 4 stars). 2 submissions from 2 submitters: Uncertain significance (2). Last evaluated 2025-01-10.

Allele frequency attached by ClinVar (database versions not stated): 1000 Genomes Project 30x 0.00031; 1000 Genomes Project 0.00040.

Submissions (2):

Ambry Genetics
Classification: Uncertain significance. Last evaluated: 2025-01-10. Review status: criteria provided, single submitter. Criteria: Ambry Variant Classification Scheme 2023. Collection method: clinical testing. Allele origin: germline.

Labcorp Genetics (formerly Invitae), Labcorp
Classification: Uncertain significance. Last evaluated: 2022-10-29. Review status: criteria provided, single submitter. Criteria: Invitae Variant Classification Sherloc (09022015). Collection method: clinical testing. Allele origin: germline.
Comment: In summary, the available evidence is currently insufficient to determine the role of this variant in disease. Therefore, it has been classified as a Variant of Uncertain Significance. Algorithms developed to predict the effect of missense changes on protein structure and function (SIFT, PolyPhen-2, Align-GVGD) all suggest that this variant is likely to be tolerated. This variant has not been reported in the literature in individuals affected with TNK2-related conditions. This variant is present in population databases (rs113120669, gnomAD 0.08%), and has an allele count higher than expected for a pathogenic variant. This sequence change replaces arginine, which is basic and polar, with glutamine, which is neutral and polar, at codon 917 of the TNK2 protein (p.Arg917Gln).

NM_001382273.1(TNK2):c.2561G>A (p.Arg854Gln)

Gene: TNK2 (tyrosine kinase non receptor 2; minus strand). Cytogenetic location: 3q29.
Variant type: single nucleotide variant.
Coding change: c.2561G>A on transcript NM_001382273.1 (MANE Select); coding-DNA position 2561, G replaced by A.
Protein change: p.Arg854Gln; replaces arginine 854 with glutamine.
Molecular consequence: missense variant. On other transcripts: non-coding transcript variant (15).
Genome position (GRCh38, 1-based): chr3:195,867,737, C>T on the plus strand (G>A on the coding strand, the complement: TNK2 is on the minus strand). VCF-style: chr3-195867737-C-T. GRCh37 (hg19) VCF-style: chr3-195594608-C-T.
Other names: c.2633G>A, p.Arg878Gln (NM_001010938.2, NM_001382272.1); c.2612G>A, p.Arg871Gln (NM_001308046.2, NM_001382271.1); c.2561G>A, p.Arg854Gln (NM_001382274.1, NM_001387716.1, NM_001387717.1 and 1 more transcripts); c.2657G>A, p.Arg886Gln (NM_001382275.1, NM_001387707.1); c.2516G>A, p.Arg839Gln (NM_001386164.1, NM_001387709.1, NM_001387710.1 and 8 more transcripts); c.2588G>A, p.Arg863Gln (NM_001387708.1, NM_001387715.1); short protein forms R839Q, R878Q, R886Q, R854Q, R863Q, R871Q.
Identifiers: ClinVar variation 2361740 (VCV002361740.6), dbSNP rs113120669, ClinGen allele CA2775883.